The following is an entry in ClinVar:

ClinVar aggregate classification (germline): Likely benign. Review status: criteria provided, multiple submitters, no conflicts (2 of 4 stars). 2 submissions from 2 submitters: Likely benign (2). Last evaluated 2026-04-01.

gnomAD v4.1: 52 of 1,613,048 alleles (0.0032%); highest among the groups gnomAD compares: Middle Eastern, 0.017%; no homozygotes.

Submissions (2):

CeGaT Center for Human Genetics Tuebingen
Classification: Likely benign. Last evaluated: 2026-04-01. Review status: criteria provided, single submitter. Criteria: CeGaT Center For Human Genetics Tuebingen Variant Classification Criteria Version 2. Collection method: clinical testing. Allele origin: germline. Affected: yes. Observed: 1 variant allele.
Comment: FDXR: BP4, BP7

Blueprint Genetics
Classification: Likely benign. Last evaluated: 2024-06-11. Review status: criteria provided, single submitter. Criteria: ACMG Guidelines, 2015. Collection method: clinical testing. Allele origin: germline.

NM_024417.5(FDXR):c.399C>T (p.Tyr133=)

Gene: FDXR (ferredoxin reductase; minus strand). Cytogenetic location: 17q25.1.
Variant type: single nucleotide variant.
Coding change: c.399C>T on transcript NM_024417.5 (MANE Select); coding-DNA position 399, C replaced by T.
Protein change: p.Tyr133=; no amino-acid change (tyrosine 133 retained).
Molecular consequence: synonymous variant. On other transcripts: non-coding transcript variant (1).
Genome position (GRCh38, 1-based): chr17:74,866,239, G>A on the plus strand (C>T on the coding strand, the complement: FDXR is on the minus strand). VCF-style: chr17-74866239-G-A. GRCh37 (hg19) VCF-style: chr17-72862361-G-A.
Other names: c.528C>T, p.Tyr176= (NM_001258012.4); c.492C>T, p.Tyr164= (NM_001258013.4); c.375C>T, p.Tyr125= (NM_001258014.4); c.279C>T, p.Tyr93= (NM_001258015.3); c.243C>T, p.Tyr81= (NM_001258016.3); c.399C>T, p.Tyr133= (NM_004110.6).
Identifiers: ClinVar variation 4873320 (VCV004873320.3).